The following is an entry in ClinVar:

ClinVar aggregate classification (germline): Pathogenic/Likely pathogenic. Review status: criteria provided, multiple submitters, no conflicts (2 of 4 stars). 4 submissions from 4 submitters: Pathogenic (3); Likely pathogenic (1). Last evaluated 2025-04-30.

Conditions:
Familial cancer of breast. Also called: hereditary breast carcinoma; Hereditary breast cancer; BREAST CANCER, FAMILIAL. Identifiers: Orphanet 227535, MedGen C0346153, MONDO:0016419, OMIM 114480. Disease mechanism: loss of function.
Hereditary cancer-predisposing syndrome. Also called: Neoplastic Syndromes, Hereditary; Hereditary Cancer Syndrome; Tumor predisposition; Hereditary neoplastic syndrome. Identifiers: Orphanet 140162, MedGen C0027672, MeSH D009386, MONDO:0015356.
Hereditary breast ovarian cancer syndrome. Also called: BRCA1- and BRCA2-Associated Hereditary Breast and Ovarian Cancer; Hereditary breast and ovarian cancer; Hereditary breast and ovarian cancer syndrome; Hereditary breast and/or ovarian cancer syndrome; Hereditary breast and ovarian cancer syndrome (HBOC); Breast and ovarian cancer. Identifiers: Orphanet 145, MedGen C0677776, MeSH D061325, MONDO:0003582. Disease mechanism: loss of function.

Submissions (4):

Ambry Genetics
Classification: Pathogenic for Hereditary cancer-predisposing syndrome. Last evaluated: 2025-04-30. Review status: criteria provided, single submitter. Criteria: Ambry Variant Classification Scheme 2023. Collection method: clinical testing. Allele origin: germline.
Comment: The c.1864_1865delGCinsTA pathogenic mutation, located in coding exon 9 of the BRCA2 gene, results from an in-frame deletion of GC and insertion of TA at nucleotide positions 1864 to 1865. This changes the amino acid from an alanine to a stop codon within coding exon 9 (p.A622*). This alteration is expected to result in loss of function by premature protein truncation or nonsense-mediated mRNA decay. As such, this alteration is interpreted as a disease-causing mutation.

Baylor Genetics
Classification: Likely pathogenic for Familial cancer of breast. Last evaluated: 2024-01-26. Review status: criteria provided, single submitter. Criteria: ACMG Guidelines, 2015. Collection method: clinical testing. Allele origin: unknown.

Labcorp Genetics (formerly Invitae), Labcorp
Classification: Pathogenic for Hereditary breast ovarian cancer syndrome. Last evaluated: 2023-12-19. Review status: criteria provided, single submitter. Criteria: Invitae Variant Classification Sherloc (09022015). Collection method: clinical testing. Allele origin: germline.
Comment: This sequence change creates a premature translational stop signal (p.Ala622*) in the BRCA2 gene. It is expected to result in an absent or disrupted protein product. Loss-of-function variants in BRCA2 are known to be pathogenic (PMID: 20104584). Information on the frequency of this variant in the gnomAD database is not available, as this variant may be reported differently in the database. This variant has not been reported in the literature in individuals affected with BRCA2-related conditions. ClinVar contains an entry for this variant (Variation ID: 968680). For these reasons, this variant has been classified as Pathogenic.

Color Diagnostics, LLC DBA Color Health
Classification: Pathogenic for Hereditary cancer-predisposing syndrome. Last evaluated: 2023-01-09. Review status: criteria provided, single submitter. Criteria: ACMG Guidelines, 2015. Collection method: clinical testing. Allele origin: germline.
Comment: This variant changes 2 nucleotides in exon 10 of the BRCA2 gene, creating a premature translation stop signal. This variant is expected to result in an absent or non-functional protein product. To our knowledge, this variant has not been reported in individuals affected with BRCA2-related disorders in the literature. This variant has not been identified in the general population by the Genome Aggregation Database (gnomAD). Loss of BRCA2 function is a known mechanism of disease. Based on the available evidence, this variant is classified as Pathogenic.

Literature cited by the submitters: PubMed 20104584 (cited by Labcorp Genetics (formerly Invitae), Labcorp).

NM_000059.4(BRCA2):c.1864_1865delinsTA (p.Ala622Ter)

Gene: BRCA2 (BRCA2 DNA repair associated; plus strand). Cytogenetic location: 13q13.1.
Variant type: Indel.
Coding change: c.1864_1865delinsTA on transcript NM_000059.4 (MANE Select); coding-DNA positions 1864 to 1865, GC replaced by TA.
Protein change: p.Ala622Ter; replaces alanine 622 with a stop codon.
Molecular consequence: nonsense.
Genome position (GRCh38, 1-based): chr13:32,333,342-32,333,343, GC replaced by TA. VCF-style: chr13-32333342-GC-TA. GRCh37 (hg19) VCF-style: chr13-32907479-GC-TA.
Other names: c.1864_1865delGCinsTA (NM_000059.3); short protein forms A622*.
Identifiers: ClinVar variation 968680 (VCV000968680.14), dbSNP rs2072424360, ClinGen allele CA1139663124.
Genomic context (GRCh38, chr13:32,333,342, plus strand): 5'-GGAAAAAAAATACCGAAAGACCAAAAATCAGAACTAATTAACTGTTCAGCCCAGTTTGAA[GC>TA]AAATGCTTTTGAAGCACCACTTACATTTGCAAATGCTGATTCAGGTACCTCTGTCTTTTT-3'